The following is an entry in ClinVar:

ClinVar aggregate classification (germline): Uncertain significance. Review status: criteria provided, multiple submitters, no conflicts (2 of 4 stars). 4 submissions from 4 submitters: Uncertain significance (3). 1 of the submissions does not count toward it. Last evaluated 2026-09-04.

Conditions:
Usher syndrome type 1F (USH1F). Also called: USHER SYNDROME, TYPE IF. Identifiers: Orphanet 231169, Orphanet 886, MedGen C1865885, MONDO:0011186, OMIM 602083.
PCDH15-related disorder. Also called: PCDH15-related disorders; PCDH15-related condition.

Allele frequency attached by ClinVar (database versions not stated): TOPMed below 0.00001; ExAC 0.00001; gnomAD exomes 0.00001; gnomAD 0.00002; ESP Exome Variant Server 0.00008.
gnomAD v4.1: 24 of 1,613,966 alleles (0.0015%); highest among the groups gnomAD compares: Admixed American, 0.0083%; no homozygotes.

Submissions (4):

GeneDx
Classification: Uncertain significance. Last evaluated: 2026-09-04. Review status: criteria provided, single submitter. Criteria: GeneDx Variant Classification Process June 2021. Collection method: clinical testing. Allele origin: germline.
Comment: In silico analysis suggests that this missense variant does not alter protein structure/function; Has not been previously published as pathogenic or benign to our knowledge

PreventionGenetics, part of Exact Sciences
Classification: Uncertain significance for PCDH15-related condition. Last evaluated: 2026-07-29. Review status: criteria provided, single submitter. Criteria: ACMG Guidelines, 2015. Collection method: clinical testing. Allele origin: germline.
Comment: The PCDH15 c.4064G>A variant is predicted to result in the amino acid substitution p.Arg1355Gln. To our knowledge, this variant has not been reported in the literature. This variant has been observed in the homozygous state as well as in the hemizygous state along with a large deletion in two unrelated individuals with hearing loss (Internal data, Prevention Genetics). This variant is reported in 0.0085% of alleles in individuals of Latino descent in gnomAD. Although we suspect that this variant may be pathogenic, at this time, the clinical significance of this variant is uncertain due to the absence of conclusive functional and genetic evidence.

Labcorp Genetics (formerly Invitae), Labcorp
Classification: Uncertain significance. Last evaluated: 2022-07-05. Review status: criteria provided, single submitter. Criteria: Invitae Variant Classification Sherloc (09022015). Collection method: clinical testing. Allele origin: germline.
Comment: This sequence change replaces arginine, which is basic and polar, with glutamine, which is neutral and polar, at codon 1355 of the PCDH15 protein (p.Arg1355Gln). This variant is present in population databases (rs371850442, gnomAD 0.009%). This variant has not been reported in the literature in individuals affected with PCDH15-related conditions. ClinVar contains an entry for this variant (Variation ID: 962690). Algorithms developed to predict the effect of missense changes on protein structure and function are either unavailable or do not agree on the potential impact of this missense change (SIFT: "Tolerated"; PolyPhen-2: "Probably Damaging"; Align-GVGD: "Class C0"). In summary, the available evidence is currently insufficient to determine the role of this variant in disease. Therefore, it has been classified as a Variant of Uncertain Significance.

Natera, Inc.
Classification: Uncertain significance for Usher syndrome type 1F. Last evaluated: 2021-05-24. Review status: no assertion criteria provided. Collection method: clinical testing. Allele origin: germline. Not counted in ClinVar's aggregate classification.

NM_001384140.1(PCDH15):c.4064G>A (p.Arg1355Gln)

Gene: PCDH15 (protocadherin related 15; minus strand). Cytogenetic location: 10q21.1.
Variant type: single nucleotide variant.
Coding change: c.4064G>A on transcript NM_001384140.1 (MANE Select); coding-DNA position 4064, G replaced by A.
Protein change: p.Arg1355Gln; replaces arginine 1355 with glutamine.
Molecular consequence: missense variant.
Genome position (GRCh38, 1-based): chr10:53,831,453, C>T on the plus strand (G>A on the coding strand, the complement: PCDH15 is on the minus strand). VCF-style: chr10-53831453-C-T. GRCh37 (hg19) VCF-style: chr10-55591213-C-T.
Other names: c.4079G>A, p.Arg1360Gln (NM_001142763.2, NM_001142771.2); c.4064G>A, p.Arg1355Gln (NM_001142764.2, NM_001142766.2, NM_001142770.3 and 4 more transcripts); c.3851G>A, p.Arg1284Gln (NM_001142765.2); c.3953G>A, p.Arg1318Gln (NM_001142767.2); c.3998G>A, p.Arg1333Gln (NM_001142768.2, NM_001142773.2, NM_001354404.2); c.4100G>A, p.Arg1367Gln (NM_001142769.4); c.4085G>A, p.Arg1362Gln (NM_001354411.2); short protein forms R1333Q, R1360Q, R1362Q, R1284Q, R1318Q, R1355Q, R1367Q.
Identifiers: ClinVar variation 962690 (VCV000962690.8), dbSNP rs371850442, ClinGen allele CA5505476.